The following is an entry in ClinVar:

NM_017739.4(POMGNT1):c.1009A>G (p.Ile337Val)

Genes: POMGNT1 (protein O-linked mannose N-acetylglucosaminyltransferase 1 (beta 1,2-); minus strand), TSPAN1 (tetraspanin 1; plus strand). Cytogenetic location: 1p34.1.
Variant type: single nucleotide variant.
Coding change: c.1009A>G on transcript NM_017739.4 (MANE Select); coding-DNA position 1009, A replaced by G.
Protein change: p.Ile337Val; replaces isoleucine 337 with valine.
Molecular consequence: missense variant.
Genome position (GRCh38, 1-based): chr1:46,193,581, T>C on the plus strand (A>G on the coding strand, the complement: POMGNT1 is on the minus strand). VCF-style: chr1-46193581-T-C. GRCh37 (hg19) VCF-style: chr1-46659253-T-C.
Other names: c.1009A>G, p.Ile337Val (NM_001243766.2, NM_001410783.1); c.943A>G, p.Ile315Val (NM_001290129.3); c.580A>G, p.Ile194Val (NM_001290130.2); short protein forms I337V, I194V, I315V.
Identifiers: ClinVar variation 2082071 (VCV002082071.4), dbSNP rs2525411091, ClinGen allele CA340180663.
Genomic context (GRCh38, chr1:46,193,581, plus strand): 5'-CCATGTTGTACTCCACCCGAGGCACCCCCCAAGTCCTGCTCACCTCATAGTAGCCGTCAA[T>C]GAAAACTGTTATCATCTGAGGAGACACCCCCTGGGCTGAAAGCAGAGAGCGCAGCATCCT-3'
Protein context (NP_060209.4, residues 327-347): GVSPQMITVF[Ile337Val]DGYYEEPMDV

ClinVar aggregate classification (germline): Uncertain significance (1 of 4 stars; one submission).

Conditions:
Autosomal recessive limb-girdle muscular dystrophy type 2O. Also called: Limb-Girdle Muscular Dystrophy Type 3C; MUSCULAR DYSTROPHY-DYSTROGLYCANOPATHY (LIMB-GIRDLE), TYPE C, 3; MUSCULAR DYSTROPHY-DYSTROGLYCANOPATHY, LIMB-GIRDLE, POMGNT1-RELATED. Identifiers: Orphanet 206564, MedGen C3150417, MONDO:0013161, OMIM 613157.
Muscular dystrophy-dystroglycanopathy (congenital with impaired intellectual development), type B, 3. Also called: Muscular dystrophy-dystroglycanopathy (congenital with intellectual disability), type B3; MUSCULAR DYSTROPHY, CONGENITAL, POMGNT1-RELATED. Identifiers: MedGen C3150412, MONDO:0013155, OMIM 613151.

Allele frequency attached by ClinVar (database versions not stated): gnomAD exomes below 0.00001.
gnomAD v4.1: 3 of 1,614,180 alleles (0.00019%); highest among the groups gnomAD compares: East Asian, 0.0022%; no homozygotes.

Submission:

Labcorp Genetics (formerly Invitae), Labcorp
Classification: Uncertain significance for Autosomal recessive limb-girdle muscular dystrophy type 2O; Muscular dystrophy-dystroglycanopathy (congenital with impaired intellectual development), type B, 3. Last evaluated: 2025-04-21. Review status: criteria provided, single submitter. Criteria: Invitae Variant Classification Sherloc (09022015). Collection method: clinical testing. Allele origin: germline.
Comment: This sequence change replaces isoleucine, which is neutral and non-polar, with valine, which is neutral and non-polar, at codon 337 of the POMGNT1 protein (p.Ile337Val). This variant is not present in population databases (gnomAD no frequency). This variant has not been reported in the literature in individuals affected with POMGNT1-related conditions. ClinVar contains an entry for this variant (Variation ID: 2082071). Invitae Evidence Modeling of protein sequence and biophysical properties (such as structural, functional, and spatial information, amino acid conservation, physicochemical variation, residue mobility, and thermodynamic stability) indicates that this missense variant is not expected to disrupt POMGNT1 protein function with a negative predictive value of 95%. In summary, the available evidence is currently insufficient to determine the role of this variant in disease. Therefore, it has been classified as a Variant of Uncertain Significance.